The following is an entry in ClinVar:

ClinVar aggregate classification (germline): Uncertain significance. Review status: criteria provided, multiple submitters, no conflicts (2 of 4 stars). 4 submissions from 3 submitters: Uncertain significance (2). 2 of the submissions do not count toward it. Last evaluated 2022-08-17.

Conditions:
Amyotrophic lateral sclerosis type 10 (ALS10). Also called: AMYOTROPHIC LATERAL SCLEROSIS 10 WITH OR WITHOUT FRONTOTEMPORAL DEMENTIA; Amyotrophic lateral sclerosis 10, with or without FTD; AMYOTROPHIC LATERAL SCLEROSIS 10 WITHOUT FRONTOTEMPORAL DEMENTIA AND WITH TDP43 INCLUSIONS; AMYOTROPHIC LATERAL SCLEROSIS 10 WITH OR WITHOUT FRONTOTEMPORAL DEMENTIA AND WITH TDP43 INCLUSIONS; TARDBP-Related Amyotrophic Lateral Sclerosis-Frontotemporal Dementia. Identifiers: Orphanet 275872, Orphanet 803, MedGen C2677565, MONDO:0012790, OMIM 612069.
FRONTOTEMPORAL LOBAR DEGENERATION WITH TDP43 INCLUSIONS, TARDBP-RELATED. Also called: Frontotemporal lobar degeneration, TARDBP-related. Identifiers: MedGen C3150169, OMIM 612069.
FRONTOTEMPORAL DEMENTIA WITH TDP43 INCLUSIONS, TARDBP-RELATED. Identifiers: MedGen C3148872, OMIM 612069.

Allele frequency attached by ClinVar (database versions not stated): TOPMed 0.00002; gnomAD exomes 0.00002.
gnomAD v4.1: 21 of 1,222,634 alleles (0.0017%); highest among the groups gnomAD compares: African/African-American, 0.0045%; no homozygotes.

Submissions (4):

Labcorp Genetics (formerly Invitae), Labcorp
Classification: Uncertain significance for Amyotrophic lateral sclerosis type 10; FRONTOTEMPORAL LOBAR DEGENERATION WITH TDP43 INCLUSIONS, TARDBP-RELATED. Last evaluated: 2022-08-17. Review status: criteria provided, single submitter. Criteria: Invitae Variant Classification Sherloc (09022015). Collection method: clinical testing. Allele origin: germline.
Comment: Experimental studies and prediction algorithms are not available or were not evaluated, and the functional significance of this variant is currently unknown. In summary, the available evidence is currently insufficient to determine the role of this variant in disease. Therefore, it has been classified as a Variant of Uncertain Significance. ClinVar contains an entry for this variant (Variation ID: 5239). This variant is also known as 2076G>A. This variant has been observed in individual(s) with TARDBP-related conditions (PMID: 19618195). This variant is not present in population databases (gnomAD no frequency). This variant occurs in a non-coding region of the TARDBP gene. It does not change the encoded amino acid sequence of the TARDBP protein.

Illumina Laboratory Services, Illumina
Classification: Uncertain significance for Amyotrophic lateral sclerosis type 10. Last evaluated: 2017-08-17. Review status: criteria provided, single submitter. Criteria: ICSL Variant Classification Criteria 13 December 2019. Collection method: clinical testing. Allele origin: germline.
Comment: This variant was observed as part of a predisposition screen in an ostensibly healthy population. A literature search was performed for the gene, cDNA change, and amino acid change (where applicable). Publications were found based on this search. However, the evidence from the literature, in combination with allele frequency data from public databases where available, was not sufficient to rule this variant in or out of causing disease. Therefore, this variant is classified as a variant of unknown significance.

OMIM
Classification: Pathogenic for AMYOTROPHIC LATERAL SCLEROSIS 10 WITH OR WITHOUT FRONTOTEMPORAL DEMENTIA AND WITH TDP43 INCLUSIONS. Last evaluated: 2009-11-01. Review status: no assertion criteria provided. Collection method: literature only. Allele origin: germline. Not counted in ClinVar's aggregate classification.

OMIM
Classification: Pathogenic for FRONTOTEMPORAL DEMENTIA WITH TDP43 INCLUSIONS, TARDBP-RELATED. Last evaluated: 2009-11-01. Review status: no assertion criteria provided. Collection method: literature only. Allele origin: germline. Not counted in ClinVar's aggregate classification.

Literature cited by the submitters: PubMed 19618195 (cited by 3 submitters); PubMed 18288693 (cited by Illumina Laboratory Services, Illumina).

NM_007375.4(TARDBP):c.*697G>A

Gene: TARDBP (TAR DNA binding protein; plus strand). Cytogenetic location: 1p36.22.
Variant type: single nucleotide variant.
Coding change: c.*697G>A on transcript NM_007375.4 (MANE Select); 697 bases downstream of the stop codon, G replaced by A.
Molecular consequence: 3 prime UTR variant.
Genome position (GRCh38, 1-based): chr1:11,023,351, G>A. VCF-style: chr1-11023351-G-A. GRCh37 (hg19) VCF-style: chr1-11083408-G-A.
Other names: c.*697 (NM_007375.3).
Identifiers: ClinVar variation 5239 (VCV000005239.9), dbSNP rs387906334, ClinGen allele CA117349.
Genomic context (GRCh38, chr1:11,023,351, plus strand): 5'-AGAATTCGTCATCACGCATCACAGGCCGCGTCTTTGACGGTGGGTGTCCCATTTTTATCC[G>A]CTACTCTTTATTTCATGGAGTCGTATCAACGCTATGAACGCAAGGCTGTGATATGGAACC-3'